The following is an entry in ClinVar:

ClinVar aggregate classification (germline): Uncertain significance (1 of 4 stars; one submission).

Submission:

Labcorp Genetics (formerly Invitae), Labcorp
Classification: Uncertain significance. Last evaluated: 2021-05-29. Review status: criteria provided, single submitter. Criteria: Invitae Variant Classification Sherloc (09022015). Collection method: clinical testing. Allele origin: germline.
Comment: This variant has not been reported in the literature in individuals with LHX3-related conditions. In summary, the available evidence is currently insufficient to determine the role of this variant in disease. Therefore, it has been classified as a Variant of Uncertain Significance. Experimental studies and prediction algorithms are not available or were not evaluated, and the functional significance of this variant is currently unknown. This variant is not present in population databases (ExAC no frequency). This variant, c.123_125dup, results in the insertion of 1 amino acid(s) to the LHX3 protein (p.Gln41dup), but otherwise preserves the integrity of the reading frame.

NM_178138.6(LHX3):c.108_110dup (p.Gln36dup)

Gene: LHX3 (LIM homeobox 3; minus strand). Cytogenetic location: 9q34.3.
Variant type: Duplication.
Coding change: c.108_110dup on transcript NM_178138.6 (MANE Select); coding-DNA positions 108 to 110, 3 bases duplicated (GCA; older notation c.108_110dupGCA).
Protein change: p.Gln36dup; duplicates glutamine 36.
Molecular consequence: inframe insertion.
Genome position (GRCh38, 1-based): chr9:136,200,723-136,200,725, TGC duplicated on the plus strand (GCA on the coding strand, the reverse complement: LHX3 is on the minus strand); duplicating any 3 consecutive bases within chr9:136,200,723-136,200,727 gives the same sequence; the c. name uses the placement nearest the transcript's 3' end. VCF-style (leftmost placement, unchanged base first): chr9-136200722-G-GTGC. GRCh37 (hg19) VCF-style: chr9-139092568-G-GTGC.
Other names: c.75_77dup, p.Gln25dup (NM_001363746.1); c.123_125dup, p.Gln41dup (NM_014564.5).
Identifiers: ClinVar variation 1508156 (VCV001508156.7), dbSNP rs2131036345, ClinGen allele CA2573144193.